The following is an entry in ClinVar:

NM_006904.7(PRKDC):c.2804A>G (p.His935Arg)

Gene: PRKDC (protein kinase, DNA-activated, catalytic subunit; minus strand). Cytogenetic location: 8q11.21.
Variant type: single nucleotide variant.
Coding change: c.2804A>G on transcript NM_006904.7 (MANE Select); coding-DNA position 2804, A replaced by G.
Protein change: p.His935Arg; replaces histidine 935 with arginine.
Molecular consequence: missense variant.
Genome position (GRCh38, 1-based): chr8:47,912,540, T>C on the plus strand (A>G on the coding strand, the complement: PRKDC is on the minus strand). VCF-style: chr8-47912540-T-C. GRCh37 (hg19) VCF-style: chr8-48825100-T-C.
Other names: c.2804A>G, p.His935Arg (NM_001081640.2); short protein forms H935R.
Identifiers: ClinVar variation 1796245 (VCV001796245.2), dbSNP rs2551876676, ClinGen allele CA371158931.

ClinVar aggregate classification (germline): Uncertain significance (1 of 4 stars; one submission).

Submission:

Ambry Genetics
Classification: Uncertain significance. Last evaluated: 2022-07-30. Review status: criteria provided, single submitter. Criteria: Ambry Variant Classification Scheme 2023. Collection method: clinical testing. Allele origin: germline.
Comment: The p.H935R variant (also known as c.2804A>G), located in coding exon 25 of the PRKDC gene, results from an A to G substitution at nucleotide position 2804. The histidine at codon 935 is replaced by arginine, an amino acid with highly similar properties. This amino acid position is conserved. In addition, this alteration is predicted to be deleterious by in silico analysis. Since supporting evidence is limited at this time, the clinical significance of this alteration remains unclear.